The following is an entry in ClinVar:

ClinVar aggregate classification (germline): Uncertain significance (1 of 4 stars; one submission).

gnomAD v4.1: 4 of 1,613,710 alleles (0.00025%); highest among the groups gnomAD compares: Admixed American, 0.0017%; no homozygotes.

Submission:

Labcorp Genetics (formerly Invitae), Labcorp
Classification: Uncertain significance. Last evaluated: 2024-05-23. Review status: criteria provided, single submitter. Criteria: Invitae Variant Classification Sherloc (09022015). Collection method: clinical testing. Allele origin: germline.
Comment: This sequence change falls in intron 7 of the PTH1R gene. It does not directly change the encoded amino acid sequence of the PTH1R protein. It affects a nucleotide within the consensus splice site. This variant is present in population databases (rs774450364, gnomAD 0.003%). This variant has been observed in individual(s) with unerupted and malformed teeth (Invitae). Variants that disrupt the consensus splice site are a relatively common cause of aberrant splicing (PMID: 17576681, 9536098). Algorithms developed to predict the effect of sequence changes on RNA splicing suggest that this variant may disrupt the consensus splice site. In summary, the available evidence is currently insufficient to determine the role of this variant in disease. Therefore, it has been classified as a Variant of Uncertain Significance.

Literature cited by the submitters: PubMed 17576681; PubMed 9536098.

NM_000316.3(PTH1R):c.543+5G>A

Gene: PTH1R (parathyroid hormone 1 receptor; plus strand). Cytogenetic location: 3p21.31.
Variant type: single nucleotide variant.
Coding change: c.543+5G>A on transcript NM_000316.3 (MANE Select); 5 bases into the intron after coding-DNA position 543, G replaced by A.
Molecular consequence: intron variant.
Genome position (GRCh38, 1-based): chr3:46,898,197, G>A. VCF-style: chr3-46898197-G-A. GRCh37 (hg19) VCF-style: chr3-46939687-G-A.
Other names: c.543+5G>A (NM_001184744.1).
Identifiers: ClinVar variation 3670939 (VCV003670939.2).